The following is an entry in ClinVar:

NM_001349338.3(FOXP1):c.706A>G (p.Thr236Ala)

Gene: FOXP1 (forkhead box P1; minus strand). Cytogenetic location: 3p13.
Variant type: single nucleotide variant.
Coding change: c.706A>G on transcript NM_001349338.3 (MANE Select); coding-DNA position 706, A replaced by G.
Protein change: p.Thr236Ala; replaces threonine 236 with alanine.
Molecular consequence: missense variant. On other transcripts: non-coding transcript variant (2).
Genome position (GRCh38, 1-based): chr3:71,041,491, T>C on the plus strand (A>G on the coding strand, the complement: FOXP1 is on the minus strand). VCF-style: chr3-71041491-T-C. GRCh37 (hg19) VCF-style: chr3-71090642-T-C.
Other names: c.706A>G, p.Thr236Ala (NM_001349340.3, NM_032682.6, NM_001244808.3 and 3 more transcripts); c.703A>G, p.Thr235Ala (NM_001349341.3); c.406A>G, p.Thr136Ala (NM_001349342.3, NM_001370548.1, NM_001244813.3 and 1 more transcripts); c.403A>G, p.Thr135Ala (NM_001349343.3, NM_001349344.3, NM_001349337.2); c.478A>G, p.Thr160Ala (NM_001244812.3); short protein forms T135A, T136A, T160A, T235A, T236A.
Identifiers: ClinVar variation 3608099 (VCV003608099.2).

ClinVar aggregate classification (germline): Uncertain significance (1 of 4 stars; one submission).

gnomAD v4.1: 5 of 1,613,884 alleles (0.00031%); highest among the groups gnomAD compares: Middle Eastern, 0.033%; no homozygotes.

Submission:

Labcorp Genetics (formerly Invitae), Labcorp
Classification: Uncertain significance. Last evaluated: 2025-07-27. Review status: criteria provided, single submitter. Criteria: Invitae Variant Classification Sherloc (09022015). Collection method: clinical testing. Allele origin: germline.
Comment: This sequence change replaces threonine, which is neutral and polar, with alanine, which is neutral and non-polar, at codon 236 of the FOXP1 protein (p.Thr236Ala). This variant is not present in population databases (gnomAD no frequency). This variant has not been reported in the literature in individuals affected with FOXP1-related conditions. ClinVar contains an entry for this variant (Variation ID: 3608099). Invitae Evidence Modeling of protein sequence and biophysical properties (such as structural, functional, and spatial information, amino acid conservation, physicochemical variation, residue mobility, and thermodynamic stability) indicates that this missense variant is not expected to disrupt FOXP1 protein function with a negative predictive value of 80%. In summary, the available evidence is currently insufficient to determine the role of this variant in disease. Therefore, it has been classified as a Variant of Uncertain Significance.